The following is an entry in ClinVar:

ClinVar aggregate classification (germline): Likely benign. Review status: criteria provided, multiple submitters, no conflicts (2 of 4 stars). 2 submissions from 2 submitters: Likely benign (2). Last evaluated 2026-07-01.

Conditions:
MAP1B-related disorder. Also called: MAP1B-related condition.

gnomAD v4.1: 459 of 1,613,796 alleles (0.028%); highest among the groups gnomAD compares: South Asian, 0.46%; 6 homozygotes.

Submissions (2):

CeGaT Center for Human Genetics Tuebingen
Classification: Likely benign. Last evaluated: 2026-07-01. Review status: criteria provided, single submitter. Criteria: CeGaT Center For Human Genetics Tuebingen Variant Classification Criteria Version 2. Collection method: clinical testing. Allele origin: germline. Affected: yes. Observed: 1 variant allele.
Comment: MAP1B: BP4, BS1

PreventionGenetics, part of Exact Sciences
Classification: Likely benign for MAP1B-related condition. Last evaluated: 2025-05-19. Review status: criteria provided, single submitter. Criteria: ACMG Guidelines, 2015. Collection method: clinical testing. Allele origin: germline.
Comment: This variant is classified as likely benign based on ACMG/AMP sequence variant interpretation guidelines (Richards et al. 2015 PMID: 25741868, with internal and published modifications).

NM_005909.5(MAP1B):c.510+8C>T

Gene: MAP1B (microtubule associated protein 1B; plus strand). Cytogenetic location: 5q13.2.
Variant type: single nucleotide variant.
Coding change: c.510+8C>T on transcript NM_005909.5 (MANE Select); 8 bases into the intron after coding-DNA position 510, C replaced by T.
Molecular consequence: intron variant.
Genome position (GRCh38, 1-based): chr5:72,186,762, C>T. VCF-style: chr5-72186762-C-T. GRCh37 (hg19) VCF-style: chr5-71482589-C-T.
Other names: c.132+8C>T (NM_001324255.2).
Identifiers: ClinVar variation 4977268 (VCV004977268.2).